The following is an entry in ClinVar:

ClinVar aggregate classification (germline): Uncertain significance (1 of 4 stars; one submission).

Conditions:
Inborn genetic diseases. Identifiers: MedGen C0950123, MeSH D030342.

Submission:

Ambry Genetics
Classification: Uncertain significance for Inborn genetic diseases. Last evaluated: 2025-07-25. Review status: criteria provided, single submitter. Criteria: Ambry Variant Classification Scheme 2023. Collection method: clinical testing. Allele origin: germline.
Comment: The p.L145R variant (also known as c.434T>G), located in coding exon 5 of the FANCA gene, results from a T to G substitution at nucleotide position 434. The leucine at codon 145 is replaced by arginine, an amino acid with dissimilar properties. This amino acid position is conserved. In addition, the in silico prediction for this alteration is inconclusive. Based on the available evidence, the clinical significance of this variant remains unclear.

NM_000135.4(FANCA):c.434T>G (p.Leu145Arg)

Gene: FANCA (FA complementation group A; minus strand). Cytogenetic location: 16q24.3.
Variant type: single nucleotide variant.
Coding change: c.434T>G on transcript NM_000135.4 (MANE Select); coding-DNA position 434, T replaced by G.
Protein change: p.Leu145Arg; replaces leucine 145 with arginine.
Molecular consequence: missense variant. On other transcripts: intron variant (1).
Genome position (GRCh38, 1-based): chr16:89,810,795, A>C on the plus strand (T>G on the coding strand, the complement: FANCA is on the minus strand). VCF-style: chr16-89810795-A-C. GRCh37 (hg19) VCF-style: chr16-89877203-A-C.
Other names: c.434T>G, p.Leu145Arg (NM_001018112.3, NM_001286167.3); c.426+134T>G (NM_001351830.2); short protein forms L145R.
Identifiers: ClinVar variation 4254226 (VCV004254226.1).